The following is an entry in ClinVar:

ClinVar aggregate classification (germline): Uncertain significance (1 of 4 stars; one submission).

Conditions:
Familial cold autoinflammatory syndrome 3 (FCAS3). Also called: FAMILIAL ATYPICAL COLD URTICARIA; ANTIBODY DEFICIENCY AND IMMUNE DYSREGULATION, PLCG2-ASSOCIATED. Identifiers: Orphanet 300359, MedGen C3280914, MONDO:0013766, OMIM 614468.

Allele frequency attached by ClinVar (database versions not stated): gnomAD 0.00001; TOPMed 0.00001; gnomAD exomes 0.00002; ExAC 0.00003.
gnomAD v4.1: 10 of 1,614,100 alleles (0.00062%); highest among the groups gnomAD compares: East Asian, 0.0022%; no homozygotes.

Submission:

Labcorp Genetics (formerly Invitae), Labcorp
Classification: Uncertain significance for Familial cold autoinflammatory syndrome 3. Last evaluated: 2022-03-27. Review status: criteria provided, single submitter. Criteria: Invitae Variant Classification Sherloc (09022015). Collection method: clinical testing. Allele origin: germline.
Comment: In summary, the available evidence is currently insufficient to determine the role of this variant in disease. Therefore, it has been classified as a Variant of Uncertain Significance. Algorithms developed to predict the effect of missense changes on protein structure and function are either unavailable or do not agree on the potential impact of this missense change (SIFT: "Deleterious"; PolyPhen-2: "Possibly Damaging"; Align-GVGD: "Class C15"). This variant has not been reported in the literature in individuals affected with PLCG2-related conditions. This variant is present in population databases (rs778773333, gnomAD 0.006%). This sequence change replaces arginine, which is basic and polar, with tryptophan, which is neutral and slightly polar, at codon 700 of the PLCG2 protein (p.Arg700Trp).

NM_002661.5(PLCG2):c.2098C>T (p.Arg700Trp)

Gene: PLCG2 (phospholipase C gamma 2; plus strand). Cytogenetic location: 16q23.3.
Variant type: single nucleotide variant.
Coding change: c.2098C>T on transcript NM_002661.5 (MANE Select); coding-DNA position 2098, C replaced by T.
Protein change: p.Arg700Trp; replaces arginine 700 with tryptophan.
Molecular consequence: missense variant.
Genome position (GRCh38, 1-based): chr16:81,919,527, C>T. VCF-style: chr16-81919527-C-T. GRCh37 (hg19) VCF-style: chr16-81953132-C-T.
Other names: short protein forms R700W.
Identifiers: ClinVar variation 1495165 (VCV001495165.6), dbSNP rs778773333, ClinGen allele CA8194090.